The following is an entry in ClinVar:

NM_001130987.2(DYSF):c.2875G>C (p.Asp959His)

Gene: DYSF (dysferlin; plus strand). Cytogenetic location: 2p13.2.
Variant type: single nucleotide variant.
Coding change: c.2875G>C on transcript NM_001130987.2 (MANE Select); coding-DNA position 2875, G replaced by C.
Protein change: p.Asp959His; replaces aspartic acid 959 with histidine.
Molecular consequence: missense variant.
Genome position (GRCh38, 1-based): chr2:71,569,830, G>C. VCF-style: chr2-71569830-G-C. GRCh37 (hg19) VCF-style: chr2-71796960-G-C.
Other names: c.2824G>C, p.Asp942His (NM_001130455.2, NM_001130983.2); c.2779G>C, p.Asp927His (NM_001130976.2, NM_001130977.2); c.2821G>C, p.Asp941His (NM_001130978.2, NM_003494.4); c.2914G>C, p.Asp972His (NM_001130979.2); c.2872G>C, p.Asp958His (NM_001130980.2, NM_001130981.2); c.2917G>C, p.Asp973His (NM_001130982.2); c.2782G>C, p.Asp928His (NM_001130984.2, NM_001130986.2); c.2875G>C, p.Asp959His (NM_001130985.2); short protein forms D941H, D959H, D972H, D927H, D942H, D958H, D928H, D973H.
Identifiers: ClinVar variation 471289 (VCV000471289.8), dbSNP rs1553554968, ClinGen allele CA347215871.

ClinVar aggregate classification (germline): Uncertain significance (1 of 4 stars; one submission).

Conditions:
Neuromuscular disease caused by qualitative or quantitative defects of dysferlin. Also called: Dysferlinopathy; Qualitative or quantitative defects of dysferlin. Identifiers: Orphanet 207073, MedGen C2931687, MONDO:0016145.

Submission:

Labcorp Genetics (formerly Invitae), Labcorp
Classification: Uncertain significance for Neuromuscular disease caused by qualitative or quantitative defects of dysferlin. Last evaluated: 2017-06-17. Review status: criteria provided, single submitter. Criteria: Invitae Variant Classification Sherloc (09022015). Collection method: clinical testing. Allele origin: germline.
Comment: This variant has not been reported in the literature in individuals with a DYSF-related disease. This sequence change replaces aspartic acid with histidine at codon 941 of the DYSF protein (p.Asp941His). The aspartic acid residue is moderately conserved and there is a moderate physicochemical difference between aspartic acid and histidine. This variant is not present in population databases (ExAC no frequency). Algorithms developed to predict the effect of missense changes on protein structure and function (SIFT, PolyPhen-2, Align-GVGD) all suggest that this variant is likely to be tolerated, but these predictions have not been confirmed by published functional studies and their clinical significance is uncertain. In summary, this variant has uncertain impact on DYSF function. The available evidence is currently insufficient to determine its role in disease. Therefore, it has been classified as a Variant of Uncertain Significance.